The following is an entry in ClinVar:

ClinVar aggregate classification (germline): Uncertain significance (1 of 4 stars; one submission).

Allele frequency attached by ClinVar (database versions not stated): gnomAD exomes 0.00001.
gnomAD v4.1: 3 of 1,613,608 alleles (0.00019%); highest among the groups gnomAD compares: Admixed American, 0.005%; no homozygotes.

Submission:

Labcorp Genetics (formerly Invitae), Labcorp
Classification: Uncertain significance. Last evaluated: 2022-03-19. Review status: criteria provided, single submitter. Criteria: Invitae Variant Classification Sherloc (09022015). Collection method: clinical testing. Allele origin: germline.
Comment: In summary, the available evidence is currently insufficient to determine the role of this variant in disease. Therefore, it has been classified as a Variant of Uncertain Significance. Algorithms developed to predict the effect of missense changes on protein structure and function output the following: SIFT: "Tolerated"; PolyPhen-2: "Benign"; Align-GVGD: "Class C0". The valine amino acid residue is found in multiple mammalian species, which suggests that this missense change does not adversely affect protein function. This variant has not been reported in the literature in individuals affected with ASAH1-related conditions. This variant is present in population databases (no rsID available, gnomAD 0.006%). This sequence change replaces isoleucine, which is neutral and non-polar, with valine, which is neutral and non-polar, at codon 156 of the ASAH1 protein (p.Ile156Val).

NM_177924.5(ASAH1):c.466A>G (p.Ile156Val)

Gene: ASAH1 (N-acylsphingosine amidohydrolase 1; minus strand). Cytogenetic location: 8p22.
Variant type: single nucleotide variant.
Coding change: c.466A>G on transcript NM_177924.5 (MANE Select); coding-DNA position 466, A replaced by G.
Protein change: p.Ile156Val; replaces isoleucine 156 with valine.
Molecular consequence: missense variant.
Genome position (GRCh38, 1-based): chr8:18,063,222, T>C on the plus strand (A>G on the coding strand, the complement: ASAH1 is on the minus strand). VCF-style: chr8-18063222-T-C. GRCh37 (hg19) VCF-style: chr8-17920731-T-C.
Other names: c.448A>G, p.Ile150Val (NM_001127505.3); c.271A>G, p.Ile91Val (NM_001363743.2); c.514A>G, p.Ile172Val (NM_004315.6); short protein forms I150V, I156V, I91V, I172V.
Identifiers: ClinVar variation 2139917 (VCV002139917.3), dbSNP rs1009154581, ClinGen allele CA173142765.